The following is an entry in ClinVar:

ClinVar aggregate classification (germline): Likely benign (1 of 4 stars; one submission).

Allele frequency attached by ClinVar (database versions not stated): 1000 Genomes Project 30x 0.00781; 1000 Genomes Project 0.00839; TOPMed 0.01859; gnomAD 0.02019 and 0.02104.

Submission:

GeneDx
Classification: Likely benign. Last evaluated: 2018-06-14. Review status: criteria provided, single submitter. Criteria: GeneDx Variant Classification (06012015). Collection method: clinical testing. Allele origin: germline. Affected: yes.
Comment: This variant is considered likely benign or benign based on one or more of the following criteria: it is a conservative change, it occurs at a poorly conserved position in the protein, it is predicted to be benign by multiple in silico algorithms, and/or has population frequency not consistent with disease.

NM_006939.4(SOS2):c.3075+278del

Gene: SOS2 (SOS Ras/Rho guanine nucleotide exchange factor 2; minus strand). Cytogenetic location: 14q21.3.
Variant type: Deletion.
Coding change: c.3075+278del on transcript NM_006939.4 (MANE Select); 278 bases into the intron after coding-DNA position 3075, one base deleted (G; older notation c.3075+278delG).
Molecular consequence: intron variant.
Genome position (GRCh38, 1-based): chr14:50,133,845, C deleted on the plus strand (G on the coding strand, the reverse complement: SOS2 is on the minus strand). VCF-style (leftmost placement, unchanged base first): chr14-50133844-TC-T. GRCh37 (hg19) VCF-style: chr14-50600562-TC-T.
Identifiers: ClinVar variation 561926 (VCV000561926.1), dbSNP rs200433609, ClinGen allele CA260715963.